The following is an entry in ClinVar:

ClinVar aggregate classification (germline): Conflicting classifications of pathogenicity. Review status: criteria provided, conflicting classifications (1 of 4 stars). 4 submissions from 4 submitters: Uncertain significance (2); Likely benign (1). 1 of the submissions does not count toward it. Last evaluated 2026-09-17.

Conditions:
UNC80-related disorder. Also called: UNC80-related condition.

Allele frequency attached by ClinVar (database versions not stated): ESP Exome Variant Server 0.00153; gnomAD 0.00157 and 0.00168; TOPMed 0.00174; 1000 Genomes Project 0.00200; 1000 Genomes Project 30x 0.00234.

Submissions (4):

GeneDx
Classification: Uncertain significance. Last evaluated: 2026-09-17. Review status: criteria provided, single submitter. Criteria: GeneDx Variant Classification Process June 2021. Collection method: clinical testing. Allele origin: germline.
Comment: In silico analysis suggests that this missense variant does not alter protein structure/function; Has not been previously published as pathogenic or benign to our knowledge

Labcorp Genetics (formerly Invitae), Labcorp
Classification: Likely benign. Last evaluated: 2026-02-03. Review status: criteria provided, single submitter. Criteria: Invitae Variant Classification Sherloc (09022015). Collection method: clinical testing. Allele origin: germline.

Eurofins Ntd Llc (ga)
Classification: Uncertain significance. Last evaluated: 2017-09-07. Review status: criteria provided, single submitter. Criteria: EGL Classification Definitions 2015. Collection method: clinical testing. Allele origin: germline. Observed: 2 variant alleles, 2 heterozygotes.

PreventionGenetics, part of Exact Sciences
Classification: Likely benign for UNC80-related condition. Last evaluated: 2024-06-06. Review status: no assertion criteria provided. Collection method: clinical testing. Allele origin: germline. Not counted in ClinVar's aggregate classification.
Comment: This variant is classified as likely benign based on ACMG/AMP sequence variant interpretation guidelines (Richards et al. 2015 PMID: 25741868, with internal and published modifications).

NM_001371986.1(UNC80):c.4141C>G (p.Pro1381Ala)

Gene: UNC80 (unc-80 subunit of NALCN channel complex; plus strand). Cytogenetic location: 2q34.
Variant type: single nucleotide variant.
Coding change: c.4141C>G on transcript NM_001371986.1 (MANE Select); coding-DNA position 4141, C replaced by G.
Protein change: p.Pro1381Ala; replaces proline 1381 with alanine.
Molecular consequence: missense variant.
Genome position (GRCh38, 1-based): chr2:209,888,125, C>G. VCF-style: chr2-209888125-C-G. GRCh37 (hg19) VCF-style: chr2-210752849-C-G.
Other names: c.4147C>G, p.Pro1383Ala (NM_032504.2); c.4132C>G, p.Pro1378Ala (NM_182587.4); short protein forms P1383A, P1378A, P1381A.
Identifiers: ClinVar variation 594022 (VCV000594022.21), dbSNP rs192242889, ClinGen allele CA2083183.